The following is an entry in ClinVar:

ClinVar aggregate classification (germline): Uncertain significance (1 of 4 stars; one submission).

Conditions:
Familial thoracic aortic aneurysm and aortic dissection (TAAD). Also called: Thoracic aortic aneurysms and dissections. Identifiers: Orphanet 91387, MedGen C4707243, MONDO:0019625.

Submission:

Ambry Genetics
Classification: Uncertain significance for Familial thoracic aortic aneurysm and aortic dissection. Last evaluated: 2024-10-21. Review status: criteria provided, single submitter. Criteria: Ambry Variant Classification Scheme 2023. Collection method: clinical testing. Allele origin: germline.
Comment: The p.F461I variant (also known as c.1381T>A), located in coding exon 3 of the SLC2A10 gene, results from a T to A substitution at nucleotide position 1381. The phenylalanine at codon 461 is replaced by isoleucine, an amino acid with highly similar properties. This amino acid position is conserved. In addition, this alteration is predicted to be tolerated by in silico analysis. Based on the available evidence, the clinical significance of this variant remains unclear.

NM_030777.4(SLC2A10):c.1381T>A (p.Phe461Ile)

Gene: SLC2A10 (solute carrier family 2 member 10; plus strand). Cytogenetic location: 20q13.12.
Variant type: single nucleotide variant.
Coding change: c.1381T>A on transcript NM_030777.4 (MANE Select); coding-DNA position 1381, T replaced by A.
Protein change: p.Phe461Ile; replaces phenylalanine 461 with isoleucine.
Molecular consequence: missense variant.
Genome position (GRCh38, 1-based): chr20:46,726,956, T>A. VCF-style: chr20-46726956-T-A. GRCh37 (hg19) VCF-style: chr20-45355595-T-A.
Other names: short protein forms F461I.
Identifiers: ClinVar variation 3443792 (VCV003443792.1).